The following is an entry in ClinVar:

ClinVar aggregate classification (germline): Likely pathogenic (1 of 4 stars; one submission).

Conditions:
Dilated cardiomyopathy 1G (CMD1G). Identifiers: Orphanet 154, MedGen C1858763, MONDO:0011400, OMIM 604145.
Autosomal recessive limb-girdle muscular dystrophy type 2J (LGMDR10). Also called: Limb-girdle muscular dystrophy, type 2J; MUSCULAR DYSTROPHY, LIMB-GIRDLE, AUTOSOMAL RECESSIVE 10. Identifiers: Orphanet 140922, MedGen C1837342, MONDO:0012127, OMIM 608807.

Submission:

Labcorp Genetics (formerly Invitae), Labcorp
Classification: Likely pathogenic for Dilated cardiomyopathy 1G; Autosomal recessive limb-girdle muscular dystrophy type 2J. Last evaluated: 2022-08-25. Review status: criteria provided, single submitter. Criteria: Invitae Variant Classification Sherloc (09022015). Collection method: clinical testing. Allele origin: germline.
Comment: This variant has not been reported in the literature in individuals affected with TTN-related conditions. This variant is located in the A band of TTN (PMID: 25589632). Truncating variants in this region are significantly overrepresented in patients affected with dilated cardiomyopathy (PMID: 25589632). Truncating variants in this region have also been reported in individuals affected with autosomal recessive centronuclear myopathy (PMID: 23975875). In summary, the currently available evidence indicates that the variant is pathogenic, but additional data are needed to prove that conclusively. Therefore, this variant has been classified as Likely Pathogenic. This sequence change creates a premature translational stop signal (p.Trp32546*) in the TTN gene. While this is not anticipated to result in nonsense mediated decay, it is expected to create a truncated TTN protein. This variant is not present in population databases (gnomAD no frequency).

Literature cited by the submitters: PubMed 25589632; PubMed 23975875.

NM_001267550.2(TTN):c.97637G>A (p.Trp32546Ter)

Genes: TTN (titin; minus strand), TTN-AS1 (TTN antisense RNA 1; plus strand). Cytogenetic location: 2q31.2.
Variant type: single nucleotide variant.
Coding change: c.97637G>A on transcript NM_001267550.2 (MANE Select); coding-DNA position 97637, G replaced by A.
Protein change: p.Trp32546Ter; replaces tryptophan 32546 with a stop codon.
Molecular consequence: nonsense.
Genome position (GRCh38, 1-based): chr2:178,541,440, C>T on the plus strand (G>A on the coding strand, the complement: TTN is on the minus strand). VCF-style: chr2-178541440-C-T. GRCh37 (hg19) VCF-style: chr2-179406167-C-T.
Other names: c.92714G>A, p.Trp30905Ter (NM_001256850.1); c.70442G>A, p.Trp23481Ter (NM_003319.4); c.89933G>A, p.Trp29978Ter (NM_133378.4); c.70817G>A, p.Trp23606Ter (NM_133432.3); c.71018G>A, p.Trp23673Ter (NM_133437.4); short protein forms W23673*, W23481*, W29978*, W23606*, W30905*, W32546*.
Identifiers: ClinVar variation 2027085 (VCV002027085.4), dbSNP rs2468846612, ClinGen allele CA349437089.